The following is an entry in ClinVar:

ClinVar aggregate classification (germline): Uncertain significance (1 of 4 stars; one submission).

Conditions:
Hereditary cancer-predisposing syndrome. Also called: Neoplastic Syndromes, Hereditary; Hereditary Cancer Syndrome; Tumor predisposition; Hereditary neoplastic syndrome. Identifiers: Orphanet 140162, MedGen C0027672, MeSH D009386, MONDO:0015356.

Submission:

Ambry Genetics
Classification: Uncertain significance for Hereditary cancer-predisposing syndrome. Last evaluated: 2025-01-25. Review status: criteria provided, single submitter. Criteria: Ambry Variant Classification Scheme 2023. Collection method: clinical testing. Allele origin: germline.
Comment: The p.V477I variant (also known as c.1429G>A), located in coding exon 10 of the PTCH1 gene, results from a G to A substitution at nucleotide position 1429. The valine at codon 477 is replaced by isoleucine, an amino acid with highly similar properties. This amino acid position is conserved. In addition, the in silico prediction for this alteration is inconclusive. Based on the available evidence, the clinical significance of this variant remains unclear.

NM_000264.5(PTCH1):c.1429G>A (p.Val477Ile)

Gene: PTCH1 (patched 1; minus strand). Cytogenetic location: 9q22.32.
Variant type: single nucleotide variant.
Coding change: c.1429G>A on transcript NM_000264.5 (MANE Select); coding-DNA position 1429, G replaced by A.
Protein change: p.Val477Ile; replaces valine 477 with isoleucine.
Molecular consequence: missense variant. On other transcripts: non-coding transcript variant (1), intron variant (1).
Genome position (GRCh38, 1-based): chr9:95,477,621, C>T on the plus strand (G>A on the coding strand, the complement: PTCH1 is on the minus strand). VCF-style: chr9-95477621-C-T. GRCh37 (hg19) VCF-style: chr9-98239903-C-T.
Other names: c.1231G>A, p.Val411Ile (NM_001083602.3); c.1426G>A, p.Val476Ile (NM_001083603.3); c.976G>A, p.Val326Ile (NM_001083604.3, NM_001083605.3, NM_001083606.3 and 1 more transcripts); c.1347+434G>A (NM_001354918.2); short protein forms V476I, V411I, V477I, V326I.
Identifiers: ClinVar variation 3784570 (VCV003784570.1).